The following is an entry in ClinVar:

ClinVar aggregate classification (germline): Pathogenic (1 of 4 stars; one submission).

Conditions:
Retinitis pigmentosa 12 (RP12). Also called: RP WITH OR WITHOUT PPRPE; RP WITH OR WITHOUT PRESERVED PARAARTERIOLE RETINAL PIGMENT EPITHELIUM; RETINITIS PIGMENTOSA WITH OR WITHOUT PARAARTERIOLAR PRESERVATION OF RETINAL PIGMENT EPITHELIUM. Identifiers: Orphanet 791, MedGen C1838647, MONDO:0010818, OMIM 600105.
Leber congenital amaurosis 8 (LCA8). Identifiers: Orphanet 65, MedGen C3151202, MONDO:0013453, OMIM 613835.

Submission:

Labcorp Genetics (formerly Invitae), Labcorp
Classification: Pathogenic for Leber congenital amaurosis 8; Retinitis pigmentosa 12. Last evaluated: 2022-08-22. Review status: criteria provided, single submitter. Criteria: Invitae Variant Classification Sherloc (09022015). Collection method: clinical testing. Allele origin: germline.
Comment: ClinVar contains an entry for this variant (Variation ID: 1452900). For these reasons, this variant has been classified as Pathogenic. Variants that disrupt the consensus splice site are a relatively common cause of aberrant splicing (PMID: 17576681, 9536098). Algorithms developed to predict the effect of sequence changes on RNA splicing suggest that this variant may disrupt the consensus splice site. Disruption of this splice site has been observed in individuals with Leber congenital amaurosis (PMID: 15024725, 21602930). This variant is not present in population databases (gnomAD no frequency). This sequence change affects a donor splice site in intron 11 of the CRB1 gene. While this variant is not anticipated to result in nonsense mediated decay, it likely alters RNA splicing and results in a disrupted protein product.

Literature cited by the submitters: PubMed 17576681; PubMed 9536098; PubMed 15024725; PubMed 21602930.

NM_201253.3(CRB1):c.4005+2T>C

Gene: CRB1 (crumbs cell polarity complex component 1; plus strand). Cytogenetic location: 1q31.3.
Variant type: single nucleotide variant.
Coding change: c.4005+2T>C on transcript NM_201253.3 (MANE Select); the canonical splice donor site of the intron after coding-DNA position 4005, T replaced by C.
Molecular consequence: splice donor variant. On other transcripts: non-coding transcript variant (1).
Genome position (GRCh38, 1-based): chr1:197,442,294, T>C. VCF-style: chr1-197442294-T-C. GRCh37 (hg19) VCF-style: chr1-197411424-T-C.
Other names: c.3933+2T>C (NM_001257965.2); c.2397+2T>C (NM_001257966.2); c.3669+2T>C (NM_001193640.2).
Identifiers: ClinVar variation 1452900 (VCV001452900.8), dbSNP rs2125514028, ClinGen allele CA344052789.